The following is an entry in ClinVar:

NM_001375808.2(LPIN2):c.244G>A (p.Asp82Asn)

Gene: LPIN2 (lipin 2; minus strand). Cytogenetic location: 18p11.31.
Variant type: single nucleotide variant.
Coding change: c.244G>A on transcript NM_001375808.2 (MANE Select); coding-DNA position 244, G replaced by A.
Protein change: p.Asp82Asn; replaces aspartic acid 82 with asparagine.
Molecular consequence: missense variant.
Genome position (GRCh38, 1-based): chr18:2,954,548, C>T on the plus strand (G>A on the coding strand, the complement: LPIN2 is on the minus strand). VCF-style: chr18-2954548-C-T. GRCh37 (hg19) VCF-style: chr18-2954546-C-T.
Other names: p.Asp82Asn; c.244G>A, p.Asp82Asn (NM_001375809.1, NM_014646.2); short protein forms D82N.
Identifiers: ClinVar variation 2683445 (VCV002683445.1), dbSNP rs1323744102, ClinGen allele CA401710534.

ClinVar aggregate classification (germline): Uncertain significance (1 of 4 stars; one submission).

Allele frequency attached by ClinVar (database versions not stated): TOPMed below 0.00001; gnomAD 0.00001; gnomAD exomes 0.00001.
gnomAD v4.1: 9 of 1,614,008 alleles (0.00056%); highest among the groups gnomAD compares: Non-Finnish European, 0.00076%; no homozygotes.

Submission:

Mayo Clinic Laboratories, Mayo Clinic
Classification: Uncertain significance. Last evaluated: 2022-04-27. Review status: criteria provided, single submitter. Criteria: ACMG Guidelines, 2015. Collection method: clinical testing. Allele origin: germline. Observed: 1 variant allele.
Comment: PM2_supporting